The following is an entry in ClinVar:

ClinVar aggregate classification (germline): Uncertain significance (1 of 4 stars; one submission).

Submission:

GeneDx
Classification: Uncertain significance. Last evaluated: 2021-08-26. Review status: criteria provided, single submitter. Criteria: GeneDx Variant Classification Process June 2021. Collection method: clinical testing. Allele origin: germline. Affected: yes.
Comment: Has not been previously published as pathogenic or benign to our knowledge; In silico analysis supports that this missense variant has a deleterious effect on protein structure/function

NM_138413.4(HOGA1):c.119C>A (p.Pro40His)

Gene: HOGA1 (4-hydroxy-2-oxoglutarate aldolase 1; plus strand). Cytogenetic location: 10q24.2.
Variant type: single nucleotide variant.
Coding change: c.119C>A on transcript NM_138413.4 (MANE Select); coding-DNA position 119, C replaced by A.
Protein change: p.Pro40His; replaces proline 40 with histidine.
Molecular consequence: missense variant.
Genome position (GRCh38, 1-based): chr10:97,584,822, C>A. VCF-style: chr10-97584822-C-A. GRCh37 (hg19) VCF-style: chr10-99344579-C-A.
Other names: c.119C>A, p.Pro40His (NM_001134670.2); short protein forms P40H.
Identifiers: ClinVar variation 1342818 (VCV001342818.2), dbSNP rs1173270983, ClinGen allele CA377967292.